The following is an entry in ClinVar:

ClinVar aggregate classification (germline): Uncertain significance. Review status: criteria provided, multiple submitters, no conflicts (2 of 4 stars). 2 submissions from 2 submitters: Uncertain significance (2). Last evaluated 2025-05-06.

gnomAD v4.1: 3 of 1,613,242 alleles (0.00019%); highest among the groups gnomAD compares: East Asian, 0.0067%; no homozygotes.

Submissions (2):

GeneDx
Classification: Uncertain significance. Last evaluated: 2025-05-06. Review status: criteria provided, single submitter. Criteria: GeneDx Variant Classification Process June 2021. Collection method: clinical testing. Allele origin: germline. Affected: yes.
Comment: Not observed at significant frequency in large population cohorts (gnomAD); In silico analysis suggests that this missense variant does not alter protein structure/function; Has not been previously published as pathogenic or benign to our knowledge

Labcorp Genetics (formerly Invitae), Labcorp
Classification: Uncertain significance. Last evaluated: 2024-10-21. Review status: criteria provided, single submitter. Criteria: Invitae Variant Classification Sherloc (09022015). Collection method: clinical testing. Allele origin: germline.
Comment: This sequence change replaces alanine, which is neutral and non-polar, with serine, which is neutral and polar, at codon 303 of the MYO6 protein (p.Ala303Ser). This variant is not present in population databases (gnomAD no frequency). This variant has not been reported in the literature in individuals affected with MYO6-related conditions. Invitae Evidence Modeling of protein sequence and biophysical properties (such as structural, functional, and spatial information, amino acid conservation, physicochemical variation, residue mobility, and thermodynamic stability) indicates that this missense variant is not expected to disrupt MYO6 protein function with a negative predictive value of 80%. In summary, the available evidence is currently insufficient to determine the role of this variant in disease. Therefore, it has been classified as a Variant of Uncertain Significance.

NM_004999.4(MYO6):c.907G>T (p.Ala303Ser)

Gene: MYO6 (myosin VI; plus strand). Cytogenetic location: 6q14.1.
Variant type: single nucleotide variant.
Coding change: c.907G>T on transcript NM_004999.4 (MANE Select); coding-DNA position 907, G replaced by T.
Protein change: p.Ala303Ser; replaces alanine 303 with serine.
Molecular consequence: missense variant. On other transcripts: non-coding transcript variant (1).
Genome position (GRCh38, 1-based): chr6:75,848,360, G>T. VCF-style: chr6-75848360-G-T. GRCh37 (hg19) VCF-style: chr6-76558077-G-T.
Other names: c.907G>T (NM_004999.3); c.907G>T, p.Ala303Ser (NM_001300899.2, NM_001368136.1, NM_001368137.1 and 2 more transcripts); c.892G>T, p.Ala298Ser (NM_001368138.1); short protein forms A298S, A303S.
Identifiers: ClinVar variation 3695092 (VCV003695092.3).